The following is an entry in ClinVar:

NM_005458.8(GABBR2):c.2800T>C (p.Phe934Leu)

Gene: GABBR2 (gamma-aminobutyric acid type B receptor subunit 2; minus strand). Cytogenetic location: 9q22.33.
Variant type: single nucleotide variant.
Coding change: c.2800T>C on transcript NM_005458.8 (MANE Select); coding-DNA position 2800, T replaced by C.
Protein change: p.Phe934Leu; replaces phenylalanine 934 with leucine.
Molecular consequence: missense variant.
Genome position (GRCh38, 1-based): chr9:98,290,610, A>G on the plus strand (T>C on the coding strand, the complement: GABBR2 is on the minus strand). VCF-style: chr9-98290610-A-G. GRCh37 (hg19) VCF-style: chr9-101052892-A-G.
Other names: short protein forms F934L.
Identifiers: ClinVar variation 2015999 (VCV002015999.4), dbSNP rs1012965260, ClinGen allele CA196812072.

ClinVar aggregate classification (germline): Uncertain significance (1 of 4 stars; one submission).

Conditions:
Epileptic encephalopathy. Identifiers: MedGen C0543888, HP:0200134.

Allele frequency attached by ClinVar (database versions not stated): TOPMed 0.00001.

Submission:

Labcorp Genetics (formerly Invitae), Labcorp
Classification: Uncertain significance for Epileptic encephalopathy. Last evaluated: 2024-10-10. Review status: criteria provided, single submitter. Criteria: Invitae Variant Classification Sherloc (09022015). Collection method: clinical testing. Allele origin: germline.
Comment: This sequence change replaces phenylalanine, which is neutral and non-polar, with leucine, which is neutral and non-polar, at codon 934 of the GABBR2 protein (p.Phe934Leu). This variant is not present in population databases (gnomAD no frequency). This variant has not been reported in the literature in individuals affected with GABBR2-related conditions. ClinVar contains an entry for this variant (Variation ID: 2015999). An algorithm developed to predict the effect of missense changes on protein structure and function (PolyPhen-2) suggests that this variant is likely to be tolerated. In summary, the available evidence is currently insufficient to determine the role of this variant in disease. Therefore, it has been classified as a Variant of Uncertain Significance.